The following is an entry in ClinVar:

NM_015909.4(NBAS):c.7030G>C (p.Gly2344Arg)

Gene: NBAS (NBAS subunit of NRZ tethering complex; minus strand). Cytogenetic location: 2p24.3.
Variant type: single nucleotide variant.
Coding change: c.7030G>C on transcript NM_015909.4 (MANE Select); coding-DNA position 7030, G replaced by C.
Protein change: p.Gly2344Arg; replaces glycine 2344 with arginine.
Molecular consequence: missense variant. On other transcripts: non-coding transcript variant (1).
Genome position (GRCh38, 1-based): chr2:15,167,134, C>G on the plus strand (G>C on the coding strand, the complement: NBAS is on the minus strand). VCF-style: chr2-15167134-C-G. GRCh37 (hg19) VCF-style: chr2-15307258-C-G.
Other names: short protein forms G2344R.
Identifiers: ClinVar variation 1931278 (VCV001931278.3), dbSNP rs780113723, ClinGen allele CA1534783.
Genomic context (GRCh38, chr2:15,167,134, plus strand): 5'-GGGCTGTACTGAAGGTTCTGAAGGCCTGGTGAGTCCCCCTCACGGCCAGAAGGAGAGACC[C>G]GGCTTCGGCTTCATGGCCGGCCTCCCGCAGGTGTCTGCCCAGCTCCTCTGCATCCCAGCG-3'
Protein context (NP_056993.2, residues 2334-2354): LREAGHEAEA[Gly2344Arg]SLLLAVRGTH

ClinVar aggregate classification (germline): Uncertain significance (1 of 4 stars; one submission).

Allele frequency attached by ClinVar (database versions not stated): ExAC 0.00001.
gnomAD v4.1: 3 of 1,614,086 alleles (0.00019%); highest among the groups gnomAD compares: African/African-American, 0.0013%; no homozygotes.

Submission:

Labcorp Genetics (formerly Invitae), Labcorp
Classification: Uncertain significance. Last evaluated: 2024-10-21. Review status: criteria provided, single submitter. Criteria: Invitae Variant Classification Sherloc (09022015). Collection method: clinical testing. Allele origin: germline.
Comment: This sequence change replaces glycine, which is neutral and non-polar, with arginine, which is basic and polar, at codon 2344 of the NBAS protein (p.Gly2344Arg). This variant is present in population databases (rs780113723, gnomAD 0.01%). This variant has not been reported in the literature in individuals affected with NBAS-related conditions. ClinVar contains an entry for this variant (Variation ID: 1931278). Invitae Evidence Modeling of protein sequence and biophysical properties (such as structural, functional, and spatial information, amino acid conservation, physicochemical variation, residue mobility, and thermodynamic stability) indicates that this missense variant is expected to disrupt NBAS protein function with a positive predictive value of 95%. In summary, the available evidence is currently insufficient to determine the role of this variant in disease. Therefore, it has been classified as a Variant of Uncertain Significance.